The following is an entry in ClinVar:

ClinVar aggregate classification (germline): Likely benign. Review status: criteria provided, single submitter (1 of 4 stars). 2 submissions from 2 submitters: Likely benign (1). 1 of the submissions does not count toward it. Last evaluated 2024-10-03.

Conditions:
LARS2-related disorder. Also called: LARS2-related condition.

Allele frequency attached by ClinVar (database versions not stated): ExAC 0.00002.
gnomAD v4.1: 32 of 1,614,014 alleles (0.002%); highest among the groups gnomAD compares: Admixed American, 0.013%; no homozygotes.

Submissions (2):

Labcorp Genetics (formerly Invitae), Labcorp
Classification: Likely benign. Last evaluated: 2024-10-03. Review status: criteria provided, single submitter. Criteria: Invitae Variant Classification Sherloc (09022015). Collection method: clinical testing. Allele origin: germline.

PreventionGenetics, part of Exact Sciences
Classification: Likely benign for LARS2-related condition. Last evaluated: 2023-11-28. Review status: no assertion criteria provided. Collection method: clinical testing. Allele origin: germline. Not counted in ClinVar's aggregate classification.
Comment: This variant is classified as likely benign based on ACMG/AMP sequence variant interpretation guidelines (Richards et al. 2015 PMID: 25741868, with internal and published modifications).

NM_015340.4(LARS2):c.2412G>A (p.Ala804=)

Gene: LARS2 (leucyl-tRNA synthetase 2, mitochondrial; plus strand). Cytogenetic location: 3p21.31.
Variant type: single nucleotide variant.
Coding change: c.2412G>A on transcript NM_015340.4 (MANE Select); coding-DNA position 2412, G replaced by A.
Protein change: p.Ala804=; no amino-acid change (alanine 804 retained).
Molecular consequence: synonymous variant.
Genome position (GRCh38, 1-based): chr3:45,541,836, G>A. VCF-style: chr3-45541836-G-A. GRCh37 (hg19) VCF-style: chr3-45583328-G-A.
Other names: c.2412G>A (NM_015340.3); c.2412G>A, p.Ala804= (NM_001368263.1).
Identifiers: ClinVar variation 2162205 (VCV002162205.6), dbSNP rs777212439, ClinGen allele CA2349894.
Genomic context (GRCh38, chr3:45,541,836, plus strand): 5'-TAAGCCTCCCTGTTCTTAGAGTGACCCCACGCTTCTGTGCCTCGGCATTGCAGGCCTGGC[G>A]CTGGTGCCGAGGAAGCTCTGTGCCCACTACACTTGGGATGCCAGTGTGCTGCTCCAGGCA-3'
Protein context (NP_056155.1, residues 794-814): HVTSEIWAGL[Ala804=]LVPRKLCAHY